The following is an entry in ClinVar:

NM_032776.3(JMJD1C):c.438_439delinsTT (p.Gln146_Pro147delinsHisSer)

Gene: JMJD1C (jumonji domain containing 1C; minus strand). Cytogenetic location: 10q21.3.
Variant type: Indel.
Coding change: c.438_439delinsTT on transcript NM_032776.3 (MANE Select); coding-DNA positions 438 to 439, GC replaced by TT.
Protein change: p.Gln146_Pro147delinsHisSer.
Molecular consequence: missense variant. On other transcripts: 5 prime UTR variant (5), intron variant (1).
Genome position (GRCh38, 1-based): chr10:63,264,659-63,264,660, GC replaced by AA on the plus strand (GC replaced by TT on the coding strand, the reverse complement: JMJD1C is on the minus strand). VCF-style: chr10-63264659-GC-AA. GRCh37 (hg19) VCF-style: chr10-65024419-GC-AA.
Other names: c.-109_-108delinsTT (NM_001282948.2, NM_001318154.2); c.-431_-430delinsTT (NM_001318153.2); c.-114_-113delinsTT (NM_001322254.2, NM_001322258.2); c.334-44677_334-44676delinsTT (NM_001322252.2).
Identifiers: ClinVar variation 1936993 (VCV001936993.5), dbSNP rs2493399397, ClinGen allele CA2580081689.

ClinVar aggregate classification (germline): Uncertain significance (1 of 4 stars; one submission).

Conditions:
Early Myoclonic Encephalopathy. Identifiers: MedGen C0270855.

Submission:

Labcorp Genetics (formerly Invitae), Labcorp
Classification: Uncertain significance for Early Myoclonic Encephalopathy. Last evaluated: 2024-06-24. Review status: criteria provided, single submitter. Criteria: Invitae Variant Classification Sherloc (09022015). Collection method: clinical testing. Allele origin: germline.
Comment: This variant, c.438_439delinsTT, is a complex sequence change that results in the deletion of 2 and insertion of 2 amino acid(s) in the JMJD1C protein (p.Gln146_Pro147delinsHisSer). Information on the frequency of this variant in the gnomAD database is not available, as this variant may be reported differently in the database. This variant has not been reported in the literature in individuals affected with JMJD1C-related conditions. ClinVar contains an entry for this variant (Variation ID: 1936993). Experimental studies and prediction algorithms are not available or were not evaluated, and the functional significance of this variant is currently unknown. In summary, the available evidence is currently insufficient to determine the role of this variant in disease. Therefore, it has been classified as a Variant of Uncertain Significance.